The following is an entry in ClinVar:

ClinVar aggregate classification (germline): Uncertain significance (1 of 4 stars; one submission).

Submission:

Labcorp Genetics (formerly Invitae), Labcorp
Classification: Uncertain significance. Last evaluated: 2025-03-09. Review status: criteria provided, single submitter. Criteria: Invitae Variant Classification Sherloc (09022015). Collection method: clinical testing. Allele origin: germline.
Comment: This sequence change falls in intron 38 of the VPS13A gene. It does not directly change the encoded amino acid sequence of the VPS13A protein. It affects a nucleotide within the consensus splice site. This variant is not present in population databases (gnomAD no frequency). This variant has not been reported in the literature in individuals affected with VPS13A-related conditions. Variants that disrupt the consensus splice site are a relatively common cause of aberrant splicing (PMID: 17576681, 9536098). Algorithms developed to predict the effect of sequence changes on RNA splicing suggest that this variant is not likely to affect RNA splicing. In summary, the available evidence is currently insufficient to determine the role of this variant in disease. Therefore, it has been classified as a Variant of Uncertain Significance.

Literature cited by the submitters: PubMed 17576681; PubMed 9536098.

NM_033305.3(VPS13A):c.4631-3T>C

Gene: VPS13A (vacuolar protein sorting 13 homolog A; plus strand). Cytogenetic location: 9q21.2.
Variant type: single nucleotide variant.
Coding change: c.4631-3T>C on transcript NM_033305.3 (MANE Select); 3 bases into the intron before coding-DNA position 4631, T replaced by C.
Molecular consequence: intron variant.
Genome position (GRCh38, 1-based): chr9:77,316,171, T>C. VCF-style: chr9-77316171-T-C. GRCh37 (hg19) VCF-style: chr9-79931087-T-C.
Other names: c.4514-3T>C (NM_001018037.2); c.4631-3T>C (NM_015186.4, NM_001018038.3).
Identifiers: ClinVar variation 4730973 (VCV004730973.1).